The following is an entry in ClinVar:

NM_014915.3(ANKRD26):c.4982C>G (p.Thr1661Ser)

Gene: ANKRD26 (ankyrin repeat domain 26; minus strand). Cytogenetic location: 10p12.1.
Variant type: single nucleotide variant.
Coding change: c.4982C>G on transcript NM_014915.3 (MANE Select); coding-DNA position 4982, C replaced by G.
Protein change: p.Thr1661Ser; replaces threonine 1661 with serine.
Molecular consequence: missense variant.
Genome position (GRCh38, 1-based): chr10:27,006,934, G>C on the plus strand (C>G on the coding strand, the complement: ANKRD26 is on the minus strand). VCF-style: chr10-27006934-G-C. GRCh37 (hg19) VCF-style: chr10-27295863-G-C.
Other names: c.4979C>G, p.Thr1660Ser (NM_001256053.2); short protein forms T1661S, T1660S.
Identifiers: ClinVar variation 3668035 (VCV003668035.2).
Genomic context (GRCh38, chr10:27,006,934, plus strand): 5'-AATTAATTAATCTAAATTTAATTCATGAAGTTTGGCAACATACCTTCTTTGAGTTCTCTA[G>C]TTATATTTTTTTCCAACTCCTGCTGCATCTGAAAAAAGTCAAATGTTATTTATAATGTTT-3'
Protein context (NP_055730.2, residues 1651-1671): KMQQELEKNI[Thr1661Ser]RELKEAAAEL

ClinVar aggregate classification (germline): Uncertain significance (1 of 4 stars; one submission).

Submission:

Labcorp Genetics (formerly Invitae), Labcorp
Classification: Uncertain significance. Last evaluated: 2024-11-30. Review status: criteria provided, single submitter. Criteria: Invitae Variant Classification Sherloc (09022015). Collection method: clinical testing. Allele origin: germline.
Comment: This sequence change replaces threonine, which is neutral and polar, with serine, which is neutral and polar, at codon 1661 of the ANKRD26 protein (p.Thr1661Ser). This variant is not present in population databases (gnomAD no frequency). This variant has not been reported in the literature in individuals affected with ANKRD26-related conditions. An algorithm developed to predict the effect of missense changes on protein structure and function (PolyPhen-2) suggests that this variant is likely to be disruptive. In summary, the available evidence is currently insufficient to determine the role of this variant in disease. Therefore, it has been classified as a Variant of Uncertain Significance.